The following is an entry in ClinVar:

ClinVar aggregate classification (germline): Uncertain significance (1 of 4 stars; one submission).

Conditions:
Peroxisome biogenesis disorder. Identifiers: Orphanet 79189, MedGen C1832200, MONDO:0019234. Disease mechanism: loss of function.

Allele frequency attached by ClinVar (database versions not stated): TOPMed below 0.00001; gnomAD 0.00001; gnomAD exomes 0.00001.
gnomAD v4.1: 8 of 1,613,722 alleles (0.0005%); highest among the groups gnomAD compares: Non-Finnish European, 0.00068%; no homozygotes.

Submission:

Labcorp Genetics (formerly Invitae), Labcorp
Classification: Uncertain significance for Peroxisome biogenesis disorder. Last evaluated: 2022-05-08. Review status: criteria provided, single submitter. Criteria: Invitae Variant Classification Sherloc (09022015). Collection method: clinical testing. Allele origin: germline.
Comment: This sequence change replaces methionine, which is neutral and non-polar, with valine, which is neutral and non-polar, at codon 948 of the PEX6 protein (p.Met948Val). This variant is not present in population databases (gnomAD no frequency). This variant has not been reported in the literature in individuals affected with PEX6-related conditions. Algorithms developed to predict the effect of missense changes on protein structure and function (SIFT, PolyPhen-2, Align-GVGD) all suggest that this variant is likely to be tolerated. In summary, the available evidence is currently insufficient to determine the role of this variant in disease. Therefore, it has been classified as a Variant of Uncertain Significance.

NM_000287.4(PEX6):c.2842A>G (p.Met948Val)

Gene: PEX6 (peroxisomal biogenesis factor 6; minus strand). Cytogenetic location: 6p21.1.
Variant type: single nucleotide variant.
Coding change: c.2842A>G on transcript NM_000287.4 (MANE Select); coding-DNA position 2842, A replaced by G.
Protein change: p.Met948Val; replaces methionine 948 with valine.
Molecular consequence: missense variant. On other transcripts: non-coding transcript variant (1).
Genome position (GRCh38, 1-based): chr6:42,964,436, T>C on the plus strand (A>G on the coding strand, the complement: PEX6 is on the minus strand). VCF-style: chr6-42964436-T-C. GRCh37 (hg19) VCF-style: chr6-42932174-T-C.
Other names: c.2578A>G, p.Met860Val (NM_001316313.2); short protein forms M948V, M860V.
Identifiers: ClinVar variation 2166694 (VCV002166694.1), dbSNP rs1409180107, ClinGen allele CA364149973.
Genomic context (GRCh38, chr6:42,964,436, plus strand): 5'-GCAGCTCCTGCTCACTGACTGAGGGTTGCAGCCGGGCGGCAGCCTGCAGCAAGTCCTCCA[T>C]GGTGAGCATCAGTGCTGAGCTACCTGGCTCCAGCCCTGGAGATGACAAGGTGGGGAGGCT-3'
Protein context (NP_000278.3, residues 938-958): EPGSSALMLT[Met948Val]EDLLQAAARL